The following is an entry in ClinVar:

NM_206933.4(USH2A):c.9249T>A (p.Tyr3083Ter)

Gene: USH2A (usherin; minus strand). Cytogenetic location: 1q41.
Variant type: single nucleotide variant.
Coding change: c.9249T>A on transcript NM_206933.4 (MANE Select); coding-DNA position 9249, T replaced by A.
Protein change: p.Tyr3083Ter; replaces tyrosine 3083 with a stop codon.
Molecular consequence: nonsense.
Genome position (GRCh38, 1-based): chr1:215,844,303, A>T on the plus strand (T>A on the coding strand, the complement: USH2A is on the minus strand). VCF-style: chr1-215844303-A-T. GRCh37 (hg19) VCF-style: chr1-216017645-A-T.
Other names: short protein forms Y3083*.
Identifiers: ClinVar variation 2679442 (VCV002679442.4), dbSNP rs2464605797, ClinGen allele CA344838471.

ClinVar aggregate classification (germline): Pathogenic/Likely pathogenic. Review status: criteria provided, multiple submitters, no conflicts (2 of 4 stars). 2 submissions from 2 submitters: Pathogenic (1); Likely pathogenic (1). Last evaluated 2023-10-18.

Conditions:
Retinitis pigmentosa 39 (RP39). Identifiers: Orphanet 791, MedGen C3151138, MONDO:0013436, OMIM 613809.

Submissions (2):

Baylor Genetics
Classification: Likely pathogenic for Retinitis pigmentosa 39. Last evaluated: 2023-10-18. Review status: criteria provided, single submitter. Criteria: ACMG Guidelines, 2015. Collection method: clinical testing. Allele origin: unknown.

Labcorp Genetics (formerly Invitae), Labcorp
Classification: Pathogenic. Last evaluated: 2023-10-05. Review status: criteria provided, single submitter. Criteria: Invitae Variant Classification Sherloc (09022015). Collection method: clinical testing. Allele origin: germline.
Comment: This sequence change creates a premature translational stop signal (p.Tyr3083*) in the USH2A gene. It is expected to result in an absent or disrupted protein product. Loss-of-function variants in USH2A are known to be pathogenic (PMID: 10729113, 10909849, 20507924, 25649381). This variant is not present in population databases (gnomAD no frequency). This variant has not been reported in the literature in individuals affected with USH2A-related conditions. For these reasons, this variant has been classified as Pathogenic.

Literature cited by the submitters: PubMed 10729113 (cited by Labcorp Genetics (formerly Invitae), Labcorp); PubMed 10909849 (cited by Labcorp Genetics (formerly Invitae), Labcorp); PubMed 20507924 (cited by Labcorp Genetics (formerly Invitae), Labcorp); PubMed 25649381 (cited by Labcorp Genetics (formerly Invitae), Labcorp).